The following is an entry in ClinVar:

NM_000138.5(FBN1):c.5422G>A (p.Asp1808Asn)

Gene: FBN1 (fibrillin 1; minus strand). Cytogenetic location: 15q21.1.
Variant type: single nucleotide variant.
Coding change: c.5422G>A on transcript NM_000138.5 (MANE Select); coding-DNA position 5422, G replaced by A.
Protein change: p.Asp1808Asn; replaces aspartic acid 1808 with asparagine.
Molecular consequence: missense variant.
Genome position (GRCh38, 1-based): chr15:48,456,637, C>T on the plus strand (G>A on the coding strand, the complement: FBN1 is on the minus strand). VCF-style: chr15-48456637-C-T. GRCh37 (hg19) VCF-style: chr15-48748834-C-T.
Other names: c.5422G>A, p.Asp1808Asn (NM_001406716.1); short protein forms D1808N.
Identifiers: ClinVar variation 3600244 (VCV003600244.1).

ClinVar aggregate classification (germline): Likely pathogenic (0 of 4 stars; one submission).

Conditions:
Marfan syndrome (MFS). Also called: MARFAN SYNDROME, TYPE I; Marfan syndrome type 1; Marfan's syndrome; FBN1-Related Marfan Syndrome; Marfan syndrome, classic. Identifiers: Orphanet 284963, Orphanet 558, MedGen C0024796, MONDO:0007947, OMIM 154700.

Submission:

Department of Laboratory Medicine and Genetics, Samsung Medical Center
Classification: Likely pathogenic for Marfan syndrome. Last evaluated: 2025-01-02. Review status: no assertion criteria provided. Collection method: clinical testing. Allele origin: germline.
Comment: The NM_000138.5:c.5422G>A is considered to be rare in the general population database (gnomAD v2.1.1). This variant is predicted to be deleterious by in-silico analysis (REVEL). This variant is located in functional domains and a different missense variant at the same residue is determined to be pathogenic (c.5422G>C, p.Asp1808His and c.5423A>T, p.Asp1808Val). In summary, this variant was classified as a likely pathogenic variant for Marfan syndrome (PM1, PM5, PP2, PP3, PM2_P).

Literature cited by the submitters: PubMed 37558401.